The following is an entry in ClinVar:

NM_014159.7(SETD2):c.145G>A (p.Val49Ile)

Gene: SETD2 (SET domain containing 2, histone lysine methyltransferase; minus strand). Cytogenetic location: 3p21.31.
Variant type: single nucleotide variant.
Coding change: c.145G>A on transcript NM_014159.7 (MANE Select); coding-DNA position 145, G replaced by A.
Protein change: p.Val49Ile; replaces valine 49 with isoleucine.
Molecular consequence: missense variant. On other transcripts: non-coding transcript variant (1).
Genome position (GRCh38, 1-based): chr3:47,124,491, C>T on the plus strand (G>A on the coding strand, the complement: SETD2 is on the minus strand). VCF-style: chr3-47124491-C-T. GRCh37 (hg19) VCF-style: chr3-47165981-C-T.
Other names: c.13G>A, p.Val5Ile (NM_001349370.3); short protein forms V49I, V5I.
Identifiers: ClinVar variation 3907644 (VCV003907644.1).

ClinVar aggregate classification (germline): Uncertain significance (1 of 4 stars; one submission).

Submission:

Women's Health and Genetics/Laboratory Corporation of America, LabCorp
Classification: Uncertain significance. Last evaluated: 2025-06-19. Review status: criteria provided, single submitter. Criteria: LabCorp Variant Classification Summary - May 2015. Collection method: clinical testing. Allele origin: germline.
Comment: Variant summary: SETD2 c.145G>A (p.Val49Ile) results in a conservative amino acid change in the encoded protein sequence. Algorithms developed to predict the effect of missense changes on protein structure and function all suggest that this variant is likely to be tolerated. The variant was absent in 154818 control chromosomes. The available data on variant occurrences in the general population are insufficient to allow any conclusion about variant significance. To our knowledge, no occurrence of c.145G>A in individuals affected with Luscan-Lumish Syndrome and no experimental evidence demonstrating its impact on protein function have been reported. No submitters have cited clinical-significance assessments for this variant to ClinVar. Based on the evidence outlined above, the variant was classified as uncertain significance.